The following is an entry in ClinVar:

ClinVar aggregate classification (germline): Uncertain significance (1 of 4 stars; one submission).

Conditions:
LPL-related disorder. Also called: LPL-related condition.

Submission:

PreventionGenetics, part of Exact Sciences
Classification: Uncertain significance for LPL-related condition. Last evaluated: 2025-04-24. Review status: criteria provided, single submitter. Criteria: ACMG Guidelines, 2015. Collection method: clinical testing. Allele origin: germline.
Comment: The LPL c.506G>C variant is predicted to result in the amino acid substitution p.Gly169Ala. To our knowledge, this variant has not been reported in the literature or in a large population database (gnomAD), indicating this variant is rare. An alternate missense change at the same genomic position (c.506G>A, p.Gly169Glu) has been reported in the homozygous state in two siblings with LPL deficiency, it was shown to segregate in the family, and functional study demonstrated no catalytic activity and abnormal protein secretion (Reported as p.Gly142Glu, Ameis et al. 1991. PubMed ID: 2010533). Although we suspect that this variant may be pathogenic, at this time, the clinical significance of this variant is uncertain due to the absence of conclusive functional and genetic evidence.

NM_000237.3(LPL):c.506G>C (p.Gly169Ala)

Gene: LPL (lipoprotein lipase; plus strand). Cytogenetic location: 8p21.3.
Variant type: single nucleotide variant.
Coding change: c.506G>C on transcript NM_000237.3 (MANE Select); coding-DNA position 506, G replaced by C.
Protein change: p.Gly169Ala; replaces glycine 169 with alanine.
Molecular consequence: missense variant.
Genome position (GRCh38, 1-based): chr8:19,953,386, G>C. VCF-style: chr8-19953386-G-C. GRCh37 (hg19) VCF-style: chr8-19810897-G-C.
Other names: short protein forms G169A.
Identifiers: ClinVar variation 4988482 (VCV004988482.1).
Genomic context (GRCh38, chr8:19,953,386, plus strand): 5'-CTCTGGACAATGTCCATCTCTTGGGATACAGCCTTGGAGCCCATGCTGCTGGCATTGCAG[G>C]AAGTCTGACCAATAAGAAAGTCAACAGAATTACTGGTAAGAAAGCAATTTCGTTGGTCTT-3'
Protein context (NP_000228.1, residues 159-179): SLGAHAAGIA[Gly169Ala]SLTNKKVNRI